The following is an entry in ClinVar:

ClinVar aggregate classification (germline): Uncertain significance. Review status: criteria provided, multiple submitters, no conflicts (2 of 4 stars). 3 submissions from 3 submitters: Uncertain significance (3). Last evaluated 2025-12-21.

Conditions:
Hereditary cancer-predisposing syndrome. Also called: Hereditary neoplastic syndrome; Neoplastic Syndromes, Hereditary; Tumor predisposition; Hereditary Cancer Syndrome. Identifiers: Orphanet 140162, MedGen C0027672, MeSH D009386, MONDO:0015356.
Rhabdoid tumor predisposition syndrome 2 (RTPS2). Identifiers: Orphanet 231108, Orphanet 69077, MedGen C2750074, MONDO:0013224, OMIM 613325.

gnomAD v4.1: 10 of 1,608,136 alleles (0.00062%); highest among the groups gnomAD compares: East Asian, 0.0022%; no homozygotes.

Submissions (3):

Labcorp Genetics (formerly Invitae), Labcorp
Classification: Uncertain significance for Rhabdoid tumor predisposition syndrome 2. Last evaluated: 2025-12-21. Review status: criteria provided, single submitter. Criteria: Invitae Variant Classification Sherloc (09022015). Collection method: clinical testing. Allele origin: germline.
Comment: This sequence change replaces proline, which is neutral and non-polar, with leucine, which is neutral and non-polar, at codon 49 of the SMARCA4 protein (p.Pro49Leu). This variant is not present in population databases (gnomAD no frequency). This variant has not been reported in the literature in individuals affected with SMARCA4-related conditions. ClinVar contains an entry for this variant (Variation ID: 470246). Invitae Evidence Modeling of protein sequence and biophysical properties (such as structural, functional, and spatial information, amino acid conservation, physicochemical variation, residue mobility, and thermodynamic stability) indicates that this missense variant is not expected to disrupt SMARCA4 protein function with a negative predictive value of 80%. In summary, the available evidence is currently insufficient to determine the role of this variant in disease. Therefore, it has been classified as a Variant of Uncertain Significance.

Ambry Genetics
Classification: Uncertain significance for Hereditary cancer-predisposing syndrome. Last evaluated: 2024-07-03. Review status: criteria provided, single submitter. Criteria: Ambry Variant Classification Scheme 2023. Collection method: clinical testing. Allele origin: germline.
Comment: The p.P49L variant (also known as c.146C>T), located in coding exon 1 of the SMARCA4 gene, results from a C to T substitution at nucleotide position 146. The proline at codon 49 is replaced by leucine, an amino acid with similar properties. This amino acid position is highly conserved in available vertebrate species. In addition, the in silico prediction for this alteration is inconclusive. Missense and in-frame variants in SMARCA4 are known to cause neurodevelopmental disorders; however, such associations with rhabdoid tumor predisposition syndrome including small cell carcinoma of the ovary-hypercalcemic type (SCCOHT) are exceedingly rare (Kosho T et al. Am J Med Genet C Semin Med Genet. 2014 Sep;166C(3):262-75; Jelinic P et al. Nat Genet. 2014 May;46(5):424-6). Since supporting evidence is limited at this time, the clinical significance of this alteration remains unclear.

GeneDx
Classification: Uncertain significance. Last evaluated: 2022-12-22. Review status: criteria provided, single submitter. Criteria: GeneDx Variant Classification Process June 2021. Collection method: clinical testing. Allele origin: germline. Affected: yes.
Comment: Not observed at significant frequency in large population cohorts (gnomAD); In silico analysis supports that this missense variant has a deleterious effect on protein structure/function; Has not been previously published as pathogenic or benign to our knowledge

NM_003072.5(SMARCA4):c.146C>T (p.Pro49Leu)

Gene: SMARCA4 (SWI/SNF related BAF chromatin remodeling complex subunit ATPase 4; plus strand). Cytogenetic location: 19p13.2.
Variant type: single nucleotide variant.
Coding change: c.146C>T on transcript NM_003072.5 (MANE Select); coding-DNA position 146, C replaced by T.
Protein change: p.Pro49Leu; replaces proline 49 with leucine.
Molecular consequence: missense variant. On other transcripts: non-coding transcript variant (1).
Genome position (GRCh38, 1-based): chr19:10,984,297, C>T. VCF-style: chr19-10984297-C-T. GRCh37 (hg19) VCF-style: chr19-11094973-C-T.
Other names: c.146C>T, p.Pro49Leu (NM_001128847.4, NM_001128848.2, NM_001128849.3 and 5 more transcripts); short protein forms P49L.
Identifiers: ClinVar variation 470246 (VCV000470246.13), dbSNP rs1464033862, ClinGen allele CA404054462.